The following is an entry in ClinVar:

ClinVar aggregate classification (germline): Pathogenic. Review status: criteria provided, multiple submitters, no conflicts (2 of 4 stars). 3 submissions from 3 submitters: Pathogenic (2). 1 of the submissions does not count toward it. Last evaluated 2024-03-20.

Conditions:
Multiple acyl-CoA dehydrogenase deficiency (MADD). Also called: ETHYLMALONIC-ADIPICACIDURIA; GA II; Glutaric Acidemia type 2; Glutaric aciduria, type 2; Glutaric acidemia type II; GA 2. Identifiers: Orphanet 26791, MedGen C0268596, MONDO:0009282, OMIM 231680.
Glutaric acidemia type 2C.

Allele frequency attached by ClinVar (database versions not stated): gnomAD exomes below 0.00001; ExAC 0.00001; gnomAD 0.00001; TOPMed 0.00001.
gnomAD v4.1: 5 of 1,573,260 alleles (0.00032%); highest among the groups gnomAD compares: Non-Finnish European, 0.00035%; no homozygotes.

Submissions (3):

Baylor Genetics
Classification: Pathogenic for Multiple acyl-CoA dehydrogenase deficiency. Last evaluated: 2024-03-20. Review status: criteria provided, single submitter. Criteria: ACMG Guidelines, 2015. Collection method: clinical testing. Allele origin: unknown.

Labcorp Genetics (formerly Invitae), Labcorp
Classification: Pathogenic for Multiple acyl-CoA dehydrogenase deficiency. Last evaluated: 2024-02-22. Review status: criteria provided, single submitter. Criteria: Invitae Variant Classification Sherloc (09022015). Collection method: clinical testing. Allele origin: germline.
Comment: This sequence change affects a donor splice site in intron 10 of the ETFDH gene. RNA analysis indicates that disruption of this splice site induces altered splicing and may result in an absent or disrupted protein product. This variant is present in population databases (rs767046886, gnomAD 0.0009%). Disruption of this splice site has been observed in individual(s) with clinical features of ETFDH-related conditions (PMID: 30424791). ClinVar contains an entry for this variant (Variation ID: 529449). Studies have shown that disruption of this splice site results in retention of intron 10 and introduces a premature termination codon (PMID: 30424791). The resulting mRNA is expected to undergo nonsense-mediated decay. For these reasons, this variant has been classified as Pathogenic.

Natera, Inc.
Classification: Likely pathogenic for Glutaric acidemia type 2C. Last evaluated: 2021-01-11. Review status: no assertion criteria provided. Collection method: clinical testing. Allele origin: germline. Not counted in ClinVar's aggregate classification.

Literature cited by the submitters: PubMed 30424791 (cited by Labcorp Genetics (formerly Invitae), Labcorp).

NM_004453.4(ETFDH):c.1285+1G>A

Gene: ETFDH (electron transfer flavoprotein dehydrogenase; plus strand). Cytogenetic location: 4q32.1.
Variant type: single nucleotide variant.
Coding change: c.1285+1G>A on transcript NM_004453.4 (MANE Select); the canonical splice donor site of the intron after coding-DNA position 1285, G replaced by A.
Molecular consequence: splice donor variant.
Genome position (GRCh38, 1-based): chr4:158,703,592, G>A. VCF-style: chr4-158703592-G-A. GRCh37 (hg19) VCF-style: chr4-159624744-G-A.
Other names: c.1144+1G>A (NM_001281737.2); c.1102+1G>A (NM_001281738.1).
Identifiers: ClinVar variation 529449 (VCV000529449.6), dbSNP rs767046886, ClinGen allele CA3122581.